The following is an entry in ClinVar:

NM_002485.5(NBN):c.1666G>T (p.Val556Leu)

Gene: NBN (nibrin; minus strand). Cytogenetic location: 8q21.3.
Variant type: single nucleotide variant.
Coding change: c.1666G>T on transcript NM_002485.5 (MANE Select); coding-DNA position 1666, G replaced by T.
Protein change: p.Val556Leu; replaces valine 556 with leucine.
Molecular consequence: missense variant.
Genome position (GRCh38, 1-based): chr8:89,953,423, C>A on the plus strand (G>T on the coding strand, the complement: NBN is on the minus strand). VCF-style: chr8-89953423-C-A. GRCh37 (hg19) VCF-style: chr8-90965651-C-A.
Other names: c.1420G>T, p.Val474Leu (NM_001024688.3); short protein forms V556L, V474L.
Identifiers: ClinVar variation 530767 (VCV000530767.9), dbSNP rs771567358, ClinGen allele CA4802692.

ClinVar aggregate classification (germline): Conflicting classifications of pathogenicity. Review status: criteria provided, conflicting classifications (1 of 4 stars). 2 submissions from 2 submitters: Uncertain significance (1); Likely benign (1). Last evaluated 2026-05-23.

Conditions:
Hereditary cancer-predisposing syndrome. Also called: Tumor predisposition; Hereditary neoplastic syndrome; Neoplastic Syndromes, Hereditary; Hereditary Cancer Syndrome. Identifiers: Orphanet 140162, MedGen C0027672, MeSH D009386, MONDO:0015356.
Microcephaly, normal intelligence and immunodeficiency (NBS). Also called: Ataxia telangiectasia variant V1; IMMUNODEFICIENCY, MICROCEPHALY, AND CHROMOSOMAL INSTABILITY; SEEMANOVA SYNDROME II; Nijmegen breakage syndrome; Microcephaly with normal intelligence immunodeficiency and lymphoreticular malignancies; Nonsyndromal microcephaly autosomal recessive with normal intelligence. Identifiers: Orphanet 647, MedGen C0398791, MONDO:0009623, OMIM 251260.

Allele frequency attached by ClinVar (database versions not stated): TOPMed below 0.00001.
gnomAD v4.1: 1 of 1,613,872 alleles (0.000062%); highest among the groups gnomAD compares: African/African-American, 0.0013%; no homozygotes.

Submissions (2):

Ambry Genetics
Classification: Likely benign for Hereditary cancer-predisposing syndrome. Last evaluated: 2026-05-23. Review status: criteria provided, single submitter. Criteria: Ambry Variant Classification Scheme 2023. Collection method: clinical testing. Allele origin: germline.

Labcorp Genetics (formerly Invitae), Labcorp
Classification: Uncertain significance for Microcephaly, normal intelligence and immunodeficiency. Last evaluated: 2023-04-08. Review status: criteria provided, single submitter. Criteria: Invitae Variant Classification Sherloc (09022015). Collection method: clinical testing. Allele origin: germline.
Comment: This variant has not been reported in the literature in individuals affected with NBN-related conditions. This variant is present in population databases (rs771567358, gnomAD 0.007%). This sequence change replaces valine, which is neutral and non-polar, with leucine, which is neutral and non-polar, at codon 556 of the NBN protein (p.Val556Leu). ClinVar contains an entry for this variant (Variation ID: 530767). In summary, the available evidence is currently insufficient to determine the role of this variant in disease. Therefore, it has been classified as a Variant of Uncertain Significance. Algorithms developed to predict the effect of missense changes on protein structure and function output the following: SIFT: "Not Available"; PolyPhen-2: "Benign"; Align-GVGD: "Not Available". The leucine amino acid residue is found in multiple mammalian species, which suggests that this missense change does not adversely affect protein function.